The following is an entry in ClinVar:

ClinVar aggregate classification (germline): Likely benign (1 of 4 stars; one submission).

Allele frequency attached by ClinVar (database versions not stated): 1000 Genomes Project 30x 0.00078; 1000 Genomes Project 0.00080; TOPMed 0.00408; ESP Exome Variant Server 0.00446.
gnomAD v4.1: 9,618 of 1,613,800 alleles (0.6%); highest among the groups gnomAD compares: Non-Finnish European, 0.72%; 30 homozygotes.

Submission:

CeGaT Center for Human Genetics Tuebingen
Classification: Likely benign. Last evaluated: 2023-01-01. Review status: criteria provided, single submitter. Criteria: CeGaT Center For Human Genetics Tuebingen Variant Classification Criteria Version 2. Collection method: clinical testing. Allele origin: germline. Affected: yes. Observed: 2 variant alleles.
Comment: SDK1: BP4, BP7, BS2

NM_152744.4(SDK1):c.4332G>A (p.Pro1444=)

Gene: SDK1 (sidekick cell adhesion molecule 1; plus strand). Cytogenetic location: 7p22.2.
Variant type: single nucleotide variant.
Coding change: c.4332G>A on transcript NM_152744.4 (MANE Select); coding-DNA position 4332, G replaced by A.
Protein change: p.Pro1444=; no amino-acid change (proline 1444 retained).
Molecular consequence: synonymous variant. On other transcripts: 5 prime UTR variant (1).
Genome position (GRCh38, 1-based): chr7:4,145,825, G>A. VCF-style: chr7-4145825-G-A. GRCh37 (hg19) VCF-style: chr7-4185457-G-A.
Other names: c.-208G>A (NM_001079653.2).
Identifiers: ClinVar variation 2657249 (VCV002657249.24), dbSNP rs147404205, ClinGen allele CA4135021.
Genomic context (GRCh38, chr7:4,145,825, plus strand): 5'-CTTCACCACCGTGGAGGTCGGCGCCACAGTGAGGCAGTTCACAGCCACCGACCTGGCCCC[G>A]GAGTCCGCATACATCTTCAGGCTGTCCGCCAAGACGAGGCAGGGCTGGGGGGAGCCACTG-3'
Protein context (NP_689957.3, residues 1434-1454): VRQFTATDLA[Pro1444=]ESAYIFRLSA